The following is an entry in ClinVar:

NC_000007.13:g.(?_16131310)_(16255832_?)del

Gene: CRPPA (CDP-L-ribitol pyrophosphorylase A; minus strand). Cytogenetic location: 7p21.2.
Variant type: Deletion.
Identifiers: ClinVar variation 1072534 (VCV001072534.1).

ClinVar aggregate classification (germline): Pathogenic (1 of 4 stars; one submission).

Conditions:
Autosomal recessive limb-girdle muscular dystrophy type 2U. Also called: Muscular dystrophy-dystroglycanopathy (limb-girdle), type c, 7; MUSCULAR DYSTROPHY, LIMB-GIRDLE, TYPE 2U. Identifiers: Orphanet 352479, MedGen C5190987, MONDO:0014474, OMIM 616052.
Muscular dystrophy-dystroglycanopathy (congenital with brain and eye anomalies), type A, 7. Also called: WALKER-WARBURG SYNDROME OR MUSCLE-EYE-BRAIN DISEASE, ISPD-RELATED; Congenital muscular dystrophy-dystroglycanopathy with brain and eye anomalies, type A7. Identifiers: Orphanet 899, MedGen C3553330, MONDO:0013835, OMIM 614643.

Submission:

Labcorp Genetics (formerly Invitae), Labcorp
Classification: Pathogenic for Muscular dystrophy-dystroglycanopathy (congenital with brain and eye anomalies), type A, 7; Autosomal recessive limb-girdle muscular dystrophy type 2U. Last evaluated: 2020-09-24. Review status: criteria provided, single submitter. Criteria: Invitae Variant Classification Sherloc (09022015). Collection method: clinical testing. Allele origin: germline.
Comment: This variant is a gross deletion of the genomic region encompassing exons 9-10 of the ISPD gene. The 5' boundary is likely confined to intron 8. The 3' end of this event is unknown as it extends through the termination codon beyond the assayed region for this gene and may encompass additional genes. While this deletion is not anticipated to result in nonsense mediated decay, it is expected to create a truncated protein product or disrupt mRNA translation. Similar deletions of exons 9-10 have been observed to be homozygous or in combination with another ISPD variant in individuals affected with Walker-Warburg syndrome (PMID:22522421, 22522420, 24120487). For these reasons, this variant has been classified as Pathogenic.

Literature cited by the submitters: PubMed 22522421; PubMed 22522420; PubMed 24120487.